The following is an entry in ClinVar:

ClinVar aggregate classification (germline): Uncertain significance (1 of 4 stars; one submission).

Submission:

Labcorp Genetics (formerly Invitae), Labcorp
Classification: Uncertain significance. Last evaluated: 2022-11-30. Review status: criteria provided, single submitter. Criteria: Invitae Variant Classification Sherloc (09022015). Collection method: clinical testing. Allele origin: germline.
Comment: This sequence change creates a premature translational stop signal (p.Thr778Serfs*2) in the NIN gene. It is expected to result in an absent or disrupted protein product. However, the current clinical and genetic evidence is not sufficient to establish whether loss-of-function variants in NIN cause disease. This variant is not present in population databases (gnomAD no frequency). This variant has not been reported in the literature in individuals affected with NIN-related conditions. Algorithms developed to predict the effect of sequence changes on RNA splicing suggest that this variant may create or strengthen a splice site. In summary, the available evidence is currently insufficient to determine the role of this variant in disease. Therefore, it has been classified as a Variant of Uncertain Significance.

NM_020921.4(NIN):c.2332_2333del (p.Thr778fs)

Gene: NIN (ninein; minus strand). Cytogenetic location: 14q22.1.
Variant type: Microsatellite.
Coding change: c.2332_2333del on transcript NM_020921.4 (MANE Select); coding-DNA positions 2332 to 2333, 2 bases deleted (AC; older notation c.2332_2333delAC).
Protein change: p.Thr778fs; shifts the reading frame from threonine 778.
Molecular consequence: frameshift variant.
Genome position (GRCh38, 1-based): chr14:50,759,923-50,759,924, GT deleted on the plus strand (AC on the coding strand, the reverse complement: NIN is on the minus strand); deleting any 2 consecutive bases within chr14:50,759,923-50,759,928 gives the same sequence; the c. name uses the placement nearest the transcript's 3' end. VCF-style (leftmost placement, unchanged base first): chr14-50759922-AGT-A. GRCh37 (hg19) VCF-style: chr14-51226640-AGT-A.
Other names: c.2332_2333del, p.Thr778fs (NM_016350.5, NM_182944.3, NM_182946.2); short protein forms T778fs.
Identifiers: ClinVar variation 2817661 (VCV002817661.3), dbSNP rs2505883328, ClinGen allele CA2575524428.